The following is an entry in ClinVar:

NM_004006.3(DMD):c.2457A>C (p.Leu819=)

Gene: DMD (dystrophin; minus strand). Cytogenetic location: Xp21.1.
Variant type: single nucleotide variant.
Coding change: c.2457A>C on transcript NM_004006.3 (MANE Select); coding-DNA position 2457, A replaced by C.
Protein change: p.Leu819=; no amino-acid change (leucine 819 retained).
Molecular consequence: synonymous variant.
Genome position (GRCh38, 1-based): chrX:32,491,442, T>G on the plus strand (A>C on the coding strand, the complement: DMD is on the minus strand). VCF-style: chrX-32491442-T-G. GRCh37 (hg19) VCF-style: chrX-32509559-T-G.
Other names: c.2433A>C, p.Leu811= (NM_000109.4); c.2445A>C, p.Leu815= (NM_004009.3); c.2088A>C, p.Leu696= (NM_004010.3).
Identifiers: ClinVar variation 94513 (VCV000094513.71), dbSNP rs72468680, ClinGen allele CA222318.

ClinVar aggregate classification (germline): Conflicting classifications of pathogenicity. Review status: criteria provided, conflicting classifications (1 of 4 stars). 14 submissions from 14 submitters: Uncertain significance (2); Benign (3); Likely benign (4). 5 of the submissions do not count toward it. Last evaluated 2026-06-14.

Conditions:
Dystrophin deficiency.
Duchenne muscular dystrophy (DMD). Also called: MUSCULAR DYSTROPHY, PSEUDOHYPERTROPHIC PROGRESSIVE, DUCHENNE TYPE; Duchenne Muscular Dystrophy (DMD). Identifiers: Orphanet 98896, MedGen C0013264, MONDO:0010679, OMIM 310200.
Cardiomyopathy (CMYO). Also called: Cardiomyopathies. Identifiers: Orphanet 167848, MedGen C0878544, MONDO:0004994, HP:0001638. Inheritance: Various modes of inheritance.
Becker muscular dystrophy (BMD). Also called: MUSCULAR DYSTROPHY, PSEUDOHYPERTROPHIC PROGRESSIVE, BECKER TYPE; Becker Muscular Dystrophy (BMD). Identifiers: Orphanet 98895, MedGen C0917713, MONDO:0010311, OMIM 300376.
Cardiovascular phenotype. Identifiers: MedGen CN230736.
DMD-related disorder. Also called: DMD-related condition.
Dilated cardiomyopathy 3B (CMD3B). Also called: CMD3B: DMD-Related Dilated Cardiomyopathy; CARDIOMYOPATHY, DILATED, X-LINKED; DMD-Associated Dilated Cardiomyopathy. Identifiers: Orphanet 154, MedGen C3668940, MONDO:0010542, OMIM 302045.

Allele frequency attached by ClinVar (database versions not stated): ExAC 0.00025; gnomAD exomes 0.00027 and 0.00051; TOPMed 0.00030; ESP Exome Variant Server 0.00038; gnomAD 0.00045 and 0.00046.
gnomAD v4.1: 595 of 1,209,364 alleles (0.049%); highest among the groups gnomAD compares: Non-Finnish European, 0.062%; no homozygotes.

Submissions (14):

PreventionGenetics, part of Exact Sciences
Classification: Likely benign for DMD-related condition. Last evaluated: 2026-06-14. Review status: criteria provided, single submitter. Criteria: ACMG Guidelines, 2015. Collection method: clinical testing. Allele origin: germline.
Comment: This variant is classified as likely benign based on ACMG/AMP sequence variant interpretation guidelines (Richards et al. 2015 PMID: 25741868, with internal and published modifications).

Labcorp Genetics (formerly Invitae), Labcorp
Classification: Benign for Duchenne muscular dystrophy. Last evaluated: 2026-01-17. Review status: criteria provided, single submitter. Criteria: Invitae Variant Classification Sherloc (09022015). Collection method: clinical testing. Allele origin: germline.

Athena Diagnostics
Classification: Benign. Last evaluated: 2024-07-12. Review status: criteria provided, single submitter. Criteria: Athena Diagnostics Criteria. Collection method: clinical testing. Allele origin: unknown.

Blueprint Genetics
Classification: Likely benign. Last evaluated: 2023-12-19. Review status: criteria provided, single submitter. Criteria: ACMG Guidelines, 2015. Collection method: clinical testing. Allele origin: germline.

CeGaT Center for Human Genetics Tuebingen
Classification: Likely benign. Last evaluated: 2023-12-01. Review status: criteria provided, single submitter. Criteria: CeGaT Center For Human Genetics Tuebingen Variant Classification Criteria Version 2. Collection method: clinical testing. Allele origin: germline. Affected: yes. Observed: 3 variant alleles.
Comment: DMD: BP4, BP7, BS2

Ambry Genetics
Classification: Likely benign for Cardiovascular phenotype. Last evaluated: 2019-03-28. Review status: criteria provided, single submitter. Criteria: Ambry Variant Classification Scheme 2023. Collection method: clinical testing. Allele origin: germline.

Eurofins Ntd Llc (ga)
Classification: Uncertain significance. Last evaluated: 2018-06-29. Review status: criteria provided, single submitter. Criteria: EGL ClinVar v180209 classification definitions. Collection method: clinical testing. Allele origin: germline. Observed: 8 variant alleles, 3 heterozygotes, 1 homozygote, 4 hemizygotes.

Illumina Laboratory Services, Illumina
Classification: Uncertain significance for Dilated cardiomyopathy 3B. Last evaluated: 2017-04-28. Review status: criteria provided, single submitter. Criteria: ICSL Variant Classification Criteria 13 December 2019. Collection method: clinical testing. Allele origin: germline.
Comment: This variant was observed as part of a predisposition screen in an ostensibly healthy population. A literature search was performed for the gene, cDNA change, and amino acid change (where applicable). Publications were found based on this search. However, the evidence from the literature, in combination with allele frequency data from public databases where available, was not sufficient to rule this variant in or out of causing disease. Therefore, this variant is classified as a variant of unknown significance.

GeneDx
Classification: Benign. Last evaluated: 2014-10-20. Review status: criteria provided, single submitter. Criteria: GeneDx Variant Classification (06012015). Collection method: clinical testing. Allele origin: germline. Affected: yes.
Comment: This variant is considered likely benign or benign based on one or more of the following criteria: it is a conservative change, it occurs at a poorly conserved position in the protein, it is predicted to be benign by multiple in silico algorithms, and/or has population frequency not consistent with disease.

Natera, Inc.
Classification: Likely benign for Becker muscular dystrophy; Cardiomyopathy; Duchenne muscular dystrophy; Dystrophin deficiency. Last evaluated: 2019-06-21. Review status: no assertion criteria provided. Collection method: clinical testing. Allele origin: germline. Not counted in ClinVar's aggregate classification.

Clinical Genetics DNA and cytogenetics Diagnostics Lab, Erasmus MC, Erasmus Medical Center
Classification: Likely benign. Review status: no assertion criteria provided. Collection method: clinical testing. Allele origin: germline. Affected: yes. Study: VKGL Data-share Consensus. Not counted in ClinVar's aggregate classification.

Diagnostic Laboratory, Department of Genetics, University Medical Center Groningen
Classification: Likely benign. Review status: no assertion criteria provided. Collection method: clinical testing. Allele origin: germline. Affected: yes. Study: VKGL Data-share Consensus. Not counted in ClinVar's aggregate classification.

Genome Diagnostics Laboratory, University Medical Center Utrecht
Classification: Likely benign. Review status: no assertion criteria provided. Collection method: clinical testing. Allele origin: germline. Affected: yes. Study: VKGL Data-share Consensus. Not counted in ClinVar's aggregate classification.

Laboratory of Diagnostic Genome Analysis, Leiden University Medical Center (LUMC)
Classification: Benign. Review status: no assertion criteria provided. Collection method: clinical testing. Allele origin: germline. Affected: yes. Study: VKGL Data-share Consensus. Not counted in ClinVar's aggregate classification.

Literature cited by the submitters: PubMed 14695533 (cited by 4 submitters); PubMed 19937601 (cited by Athena Diagnostics); PubMed 15643612 (cited by 3 submitters); PubMed 25227141 (cited by Athena Diagnostics); PubMed 23757202 (cited by Illumina Laboratory Services, Illumina).